The following is an entry in ClinVar:

ClinVar aggregate classification (germline): conflicting data from submitters (0 of 4 stars; one submission).

Submission:

ISCA site 1
Classification: conflicting data from submitters. Last evaluated: 2014-07-21. Review status: no assertion criteria provided. Collection method: clinical testing. Allele origin: unknown. Affected: yes. Observed: 2 variant alleles.
Comment: Pathogenic(1), Uncertain significance(1)

Copy number variation identified through the course of routine clinical cytogenomic testing in postnatal populations, with clinical assertions as classified by the original submitter. For data from the original published study, Kaminsky, et al. 2011 (PubMed 21844811), please see nstd101.

GRCh38/hg38 2q35(chr2:216266846-216782346)x3

Genes: IGFBP-AS1 (IGFBP5 antisense RNA 1; plus strand), IGFBP2 (insulin like growth factor binding protein 2; plus strand), IGFBP5 (insulin like growth factor binding protein 5; minus strand), LINC01280 (long intergenic non-protein coding RNA 1280; minus strand), MARCHF4 (membrane associated ring-CH-type finger 4; minus strand) and 13 more. Cytogenetic location: 2q35.
Variant type: copy number gain.
Change: copy number 3 (three copies instead of two) of chr2:216,266,846-216,782,346 (515.5 kb, GRCh38 coordinates, 1-based), cytogenetic band 2q35.
Identifiers: ClinVar variation 153437 (VCV000153437.3).